The following continues an entry in ClinVar:

NM_014874.4(MFN2):c.2119C>T (p.Arg707Trp)

Gene: MFN2. ClinVar aggregate classification (germline): Pathogenic/Likely pathogenic. Pathogenic (23); Likely pathogenic (6).

Submissions 19 to 27 of 33:

Revvity Omics, Revvity
Classification: Pathogenic. Last evaluated: 2021-08-13. Review status: criteria provided, single submitter. Criteria: ACMG Guidelines, 2015. Collection method: clinical testing. Allele origin: germline.

Victorian Clinical Genetics Services, Murdoch Childrens Research Institute
Classification: Pathogenic for Charcot-Marie-Tooth disease type 2A2. Last evaluated: 2021-05-06. Review status: criteria provided, single submitter. Criteria: ACMG Guidelines, 2015. Collection method: clinical testing. Allele origin: germline. Inheritance: Autosomal dominant inheritance. Affected: yes.
Comment: Based on the classification scheme VCGS_Germline_v1.3.4, this variant is classified as Pathogenic. Following criteria are met: 0102 - Loss of function is a known mechanism of disease in this gene and is associated with MFN2-related disorders. (I) 0108 - This gene is associated with both recessive and dominant disease. However, no genotype-phenotype correlation has been established. (I) 0112 - The condition associated with this gene has incomplete penetrance (OMIM; PMID 26686600). (I) 0200 - Variant is predicted to result in a missense amino acid change from arginine to tryptophan. (I) 0251 - This variant is heterozygous. (I) 0304 - Variant is present in gnomAD <0.01 for a recessive condition (v2: 71 heterozygotes, 0 homozygotes). (SP) 0309 - An alternative amino acid change at the same position has been observed in gnomAD (v2: 6 heterozygotes, 0 homozygotes). (I) 0501 - Missense variant consistently predicted to be damaging by multiple in silico tools or highly conserved with a major amino acid change. (SP) 0600 - Variant is located in the annotated Fzo_mitofusin domain (NCBI, PDB, DECIPHER). (I) 0801 - This variant has strong previous evidence of pathogenicity in unrelated individuals. Biallelic patients have been reported to have multiple symmetrical lipomatosis and axonal neuropathy while monoallelic patients presents with axonal neuropathy only. In addition, in autosomal recessive families, carrier parents are reported to be either clinically unaffected or mildly affected with Charcot-Marie-Tooth. (ClinVar; PMID: 26085578, 28414270, 24126688, 20350294, 30158064, 18458227). (SP) 1001 - This variant has strong functional evidence supporting abnormal protein function. Patient fibroblasts homozygous for this variant demonstrated reduced capabilities to form MFN2 homo-oligomers leading to reduced mitochondrial fusion and mitochondria which were more prone to aggregation (PMID: 26085578). (SP) 1208 - Inheritance information for this variant is not currently available in this individual. (I) Legend: (SP) - Supporting pathogenic, (I) - Information, (SB) - Supporting benign

Breakthrough Genomics
Classification: Likely pathogenic for Charcot-Marie-Tooth disease type 2A2. Last evaluated: 2020-10-27. Review status: criteria provided, single submitter. Criteria: ACMG Guidelines, 2015. Collection method: clinical testing. Allele origin: germline. Affected: yes.
Comment: This variant has been reported in multiple individuals and families affected with Charcot Marie Tooth disease type 2 (CMT2) in the heterozygous, homozygous, or compound heterozygous state [PMID: 18458227, 24126688, 25025039, 22492563, 20008656] and also been reported to segregate with disease [PMID: 20350294, 20008656]. There have been reports of patients harboring the variant in heterozygous condition presenting with clinical features of CMT2 [PMID: 20350294] and early severe axonal CMT as well as cases with unaffected heterozygous parents [PMID: 24126688], suggesting incomplete penetrance. Homozygous or compound heterozygous occurrences of the variant likely lead to a more severe course of disease that may include lipomatosis and/or lipodystrophy. Functional studies using transfected fibroblasts have shown that the variant impairs MFN2-MFN2 protein interactions in mitochondria, making mitochondria prone to perinuclear aggregation [PMID: 26085578].

Center for Pediatric Genomic Medicine, Children's Mercy Hospital and Clinics
Classification: Pathogenic for Peripheral axonal neuropathy. Last evaluated: 2019-12-25. Review status: criteria provided, single submitter. Criteria: ACMG Guidelines, 2015. Collection method: clinical testing. Allele origin: germline. Affected: yes.

Baylor Genetics
Classification: Pathogenic for Charcot-Marie-Tooth disease type 2A2. Last evaluated: 2019-04-12. Review status: criteria provided, single submitter. Criteria: ACMG Guidelines, 2015. Collection method: clinical testing. Allele origin: maternal. Affected: yes.
Comment: This variant was determined to be pathogenic according to ACMG Guidelines, 2015 [PMID:25741868].

Laboratory for Molecular Medicine, Mass General Brigham Personalized Medicine
Classification: Likely pathogenic for Charcot-Marie-Tooth disease type 2A2. Last evaluated: 2019-02-11. Review status: criteria provided, single submitter. Criteria: LMM Criteria. Collection method: clinical testing. Allele origin: germline. Inheritance: Autosomal dominant inheritance. Observed: 1 variant allele.
Comment: The p.Arg707Trp variant in MFN2 has been reported in the heterozygous state in 4 probands with clinical features of Charcot-Marie-Tooth disease type 2A (CMT2A; Braathen 2010, Sitarz 2012, BroÅ¾kovÃ¡ 2013, Bansagi 2017). It has also been reported in the compound heterozygous or homozygous state in at least 9 individuals with CMT2A-related neuropathy and lipomatosis or lipodystrophy (Nicholson 2008, Calvo 2009, Carr 2015, Sawyer 2015, Rocha 2017, Capel 2018). The variant segregated with neuropathy and lipomatosis/lipodystrophy in at least 4 affected members of 3 families (Calvo 2009, Rocha 2017, Capel 2018). This variant has also been identified in the heterozygous state in individuals without overt signs of neuropathy (Nicholson 2008, Calvo 2009, BroÅ¾kovÃ¡ 2013, Carr 2015, Rocha 2017) and in 0.05% (66/129186) of European chromosomes by gnomAD. However, this is consistent with the fact that variable expressivity including sub-clinical, late-onset neuropathy has been reported for CMT2A (ZÃ¼chner 2013). Computational prediction tools and conservation analysis suggest that this variant may impact the protein, though this information is not predictive enough to determine pathogenicity. Furthermore, analysis of patient fibroblasts suggest that the p.Arg707Trp variant may impair mitochondrial function (Sawyer 2015). In summary, although additional studies are required to fully establish its clinical significance, the p.Arg707Trp variant meets criteria to be classified as likely pathogenic for autosomal dominant CMT2A, with homozygous or compound heteroygous occurences likely leading to a more severe course of disease that may include lipomatosis and/or lipodystrophy. ACMG/AMP Criteria applied: PM3_Strong, PP3, PS3_Supporting, PS4_Supporting.

Illumina Laboratory Services, Illumina
Classification: Pathogenic for MFN2-Related Disorders. Last evaluated: 2018-12-19. Review status: criteria provided, single submitter. Criteria: ICSL Variant Classification Criteria 09 May 2019. Collection method: clinical testing. Allele origin: germline.
Comment: Across a selection of the available literature, the MFN2 c.2119C>T (p.Arg707Trp) missense variant has been identified in a total of 11 individuals with MFN2-related disorders, including in a homozygous state in four individuals, (two of whom are related), in a compound heterozygous state in four individuals, and in a heterozygous state in three individuals (Nicholson et al. 2008; Calvo et al. 2009; Braathen et al. 2010; Sitarz et al. 2012; Brozkova et al. 2013; Hoyer et al. 2014; Sawyer et al. 2015; Carr et al. 2015). The variant was also found in a heterozygous state in several asymptomatic parents, consistent with an autosomal recessive pattern of inheritance. MFN2-related disorders have also been reported to follow an autosomal dominant pattern of inheritance which was observed through four generations of one family in a study by Braathen et al. (2010). The p.Arg707Trp variant was absent from at least 602 evaluated control alleles (Nicholson et al. 2008; Braathen et al. 2010) and is reported at a frequency of 0.000581 in the European American population of the Exome Sequencing Project. Functional studies in U2OS cells homozygous for the p.Arg707Trp variant demonstrate a reduced ability to form homotypic MFN2 protein interactions in vitro and to tubulate mitochondria which were more prone to aggregation (Sawyer et al. 2015). The p.Arg707Trp variant is located in a well-conserved residue in a known functional domain that is thought to permit homotypic protein interaction as well as heterotypic binding to MFN1 (Sawyer et al. 2015). Based on the collective evidence, the p.Arg707Trp variant is classified as pathogenic for MFN2-related disorders. This variant was observed by ICSL as part of a predisposition screen in an ostensibly healthy population.

SIB Swiss Institute of Bioinformatics
Classification: Likely pathogenic for Charcot-Marie-Tooth disease, axonal, autosomal recessive, type 2a2b;. Last evaluated: 2018-05-31. Review status: criteria provided, single submitter. Criteria: ACMG Guidelines, 2015. Collection method: curation. Allele origin: unknown.
Comment: This variant is interpreted as a Likely Pathogenic, for Charcot-Marie-Tooth disease, axonal, type 2A2B, in Autosomal Recessive manner. The following ACMG Tag(s) were applied: PM2 => Absent from controls (or at extremely low frequency if recessive) in Exome Sequencing Project, 1000 Genomes Project, or Exome Aggregation Consortium. PP3 => Multiple lines of computational evidence support a deleterious effect on the gene or gene product. PS3 => Well-established functional studies show a deleterious effect (PMID:26085578).

Eurofins Ntd Llc (ga)
Classification: Pathogenic. Last evaluated: 2017-01-23. Review status: criteria provided, single submitter. Criteria: EGL Classification Definitions 2015. Collection method: clinical testing. Allele origin: germline. Observed: 1 variant allele, 1 heterozygote.